The following is an entry in ClinVar:

ClinVar aggregate classification (germline): Likely benign. Review status: criteria provided, multiple submitters, no conflicts (2 of 4 stars). 2 submissions from 2 submitters: Likely benign (2). Last evaluated 2025-12-01.

Allele frequency attached by ClinVar (database versions not stated): TOPMed 0.00001; gnomAD exomes 0.00003; ExAC 0.00004.
gnomAD v4.1: 12 of 1,612,700 alleles (0.00074%); highest among the groups gnomAD compares: Middle Eastern, 0.016%; no homozygotes.

Submissions (2):

CeGaT Center for Human Genetics Tuebingen
Classification: Likely benign. Last evaluated: 2025-12-01. Review status: criteria provided, single submitter. Criteria: CeGaT Center For Human Genetics Tuebingen Variant Classification Criteria Version 2. Collection method: clinical testing. Allele origin: germline. Affected: yes. Observed: 1 variant allele.
Comment: COL4A3: BP4, BP7

Labcorp Genetics (formerly Invitae), Labcorp
Classification: Likely benign. Last evaluated: 2023-12-16. Review status: criteria provided, single submitter. Criteria: Invitae Variant Classification Sherloc (09022015). Collection method: clinical testing. Allele origin: germline.

NM_000091.5(COL4A3):c.2082A>G (p.Pro694=)

Genes: COL4A3 (collagen type IV alpha 3 chain; plus strand), MFF-DT (MFF divergent transcript; minus strand). Cytogenetic location: 2q36.3.
Variant type: single nucleotide variant.
Coding change: c.2082A>G on transcript NM_000091.5 (MANE Select); coding-DNA position 2082, A replaced by G.
Protein change: p.Pro694=; no amino-acid change (proline 694 retained).
Molecular consequence: synonymous variant.
Genome position (GRCh38, 1-based): chr2:227,277,510, A>G. VCF-style: chr2-227277510-A-G. GRCh37 (hg19) VCF-style: chr2-228142226-A-G.
Identifiers: ClinVar variation 1532533 (VCV001532533.13), dbSNP rs767541394, ClinGen allele CA2146848.